The following is an entry in ClinVar:

NM_002528.7(NTHL1):c.590C>T (p.Pro197Leu)

Gene: NTHL1 (nth like DNA glycosylase 1; minus strand). Cytogenetic location: 16p13.3.
Variant type: single nucleotide variant.
Coding change: c.590C>T on transcript NM_002528.7 (MANE Select); coding-DNA position 590, C replaced by T.
Protein change: p.Pro197Leu; replaces proline 197 with leucine.
Molecular consequence: missense variant.
Genome position (GRCh38, 1-based): chr16:2,043,662, G>A on the plus strand (C>T on the coding strand, the complement: NTHL1 is on the minus strand). VCF-style: chr16-2043662-G-A. GRCh37 (hg19) VCF-style: chr16-2093663-G-A.
Other names: c.419C>T, p.Pro140Leu (NM_001318193.2); c.260C>T, p.Pro87Leu (NM_001318194.2); short protein forms P140L, P87L, P197L.
Identifiers: ClinVar variation 1017334 (VCV001017334.13), dbSNP rs2084299761, ClinGen allele CA394291790.

ClinVar aggregate classification (germline): Uncertain significance. Review status: criteria provided, multiple submitters, no conflicts (2 of 4 stars). 3 submissions from 3 submitters: Uncertain significance (3). Last evaluated 2026-01-08.

Conditions:
Hereditary cancer-predisposing syndrome. Also called: Tumor predisposition; Neoplastic Syndromes, Hereditary; Hereditary neoplastic syndrome; Hereditary Cancer Syndrome. Identifiers: Orphanet 140162, MedGen C0027672, MeSH D009386, MONDO:0015356.

Allele frequency attached by ClinVar (database versions not stated): gnomAD 0.00001; TOPMed 0.00001.
gnomAD v4.1: 2 of 1,611,912 alleles (0.00012%); highest among the groups gnomAD compares: Admixed American, 0.0033%; no homozygotes.

Submissions (3):

Labcorp Genetics (formerly Invitae), Labcorp
Classification: Uncertain significance. Last evaluated: 2026-01-08. Review status: criteria provided, single submitter. Criteria: Invitae Variant Classification Sherloc (09022015). Collection method: clinical testing. Allele origin: germline.
Comment: This sequence change replaces proline, which is neutral and non-polar, with leucine, which is neutral and non-polar, at codon 205 of the NTHL1 protein (p.Pro205Leu). This variant is not present in population databases (gnomAD no frequency). This variant has not been reported in the literature in individuals affected with NTHL1-related conditions. ClinVar contains an entry for this variant (Variation ID: 1017334). An algorithm developed to predict the effect of missense changes on protein structure and function (PolyPhen-2) suggests that this variant is likely to be disruptive. In summary, the available evidence is currently insufficient to determine the role of this variant in disease. Therefore, it has been classified as a Variant of Uncertain Significance.

Ambry Genetics
Classification: Uncertain significance for Hereditary cancer-predisposing syndrome. Last evaluated: 2025-07-05. Review status: criteria provided, single submitter. Criteria: Ambry Variant Classification Scheme 2023. Collection method: clinical testing. Allele origin: germline.
Comment: The p.P205L variant (also known as c.614C>T), located in coding exon 4 of the NTHL1 gene, results from a C to T substitution at nucleotide position 614. The proline at codon 205 is replaced by leucine, an amino acid with similar properties. This amino acid position is highly conserved in available vertebrate species. In addition, this alteration is predicted to be deleterious by in silico analysis. Since supporting evidence is limited at this time, the clinical significance of this alteration remains unclear.

Sema4
Classification: Uncertain significance for Hereditary cancer-predisposing syndrome. Last evaluated: 2021-06-08. Review status: criteria provided, single submitter. Criteria: Sema4 Curation Guidelines. Collection method: curation. Allele origin: germline.
Comment: The NTHL1 c.614C>T (p.P205L) variant has not been reported in the literature to our knowledge. It was not observed in the large and broad cohorts of the Genome Aggregation Database (PMID: 32461654) but has been reported in ClinVar (Variation ID 640737). In silico tools suggest the impact of the variant on protein function is deleterious, though these predictions have not been confirmed by functional studies. The evidence is insufficient to meet ACMG/AMP criteria for classifying the variant as benign or pathogenic. Thus, the clinical significance of this variant is currently uncertain.